The following is an entry in ClinVar:

ClinVar aggregate classification (germline): Uncertain significance (1 of 4 stars; one submission).

Conditions:
Hereditary pancreatitis (PCTT). Also called: Hereditary chronic pancreatitis; PRSS1-Related Hereditary Pancreatitis. Identifiers: Orphanet 676, MedGen C0238339, MONDO:0008185, OMIM 167800.

Submission:

Ambry Genetics
Classification: Uncertain significance for Hereditary pancreatitis. Last evaluated: 2026-03-16. Review status: criteria provided, single submitter. Criteria: Ambry Variant Classification Scheme 2023. Collection method: clinical testing. Allele origin: germline.
Comment: The p.E182D variant (also known as c.546G>C), located in coding exon 5 of the CPA1 gene, results from a G to C substitution at nucleotide position 546. The glutamic acid at codon 182 is replaced by aspartic acid, an amino acid with highly similar properties. This amino acid position is conserved. In addition, this alteration is predicted to be deleterious by in silico analysis. Based on the available evidence, the clinical significance of this variant remains unclear.

NM_001868.4(CPA1):c.546G>C (p.Glu182Asp)

Gene: CPA1 (carboxypeptidase A1; plus strand). Cytogenetic location: 7q32.2.
Variant type: single nucleotide variant.
Coding change: c.546G>C on transcript NM_001868.4 (MANE Select); coding-DNA position 546, G replaced by C.
Protein change: p.Glu182Asp; replaces glutamic acid 182 with aspartic acid.
Molecular consequence: missense variant.
Genome position (GRCh38, 1-based): chr7:130,383,453, G>C. VCF-style: chr7-130383453-G-C. GRCh37 (hg19) VCF-style: chr7-130023294-G-C.
Other names: short protein forms E182D.
Identifiers: ClinVar variation 4869353 (VCV004869353.1).
Genomic context (GRCh38, chr7:130,383,453, plus strand): 5'-CAGCACGGGGGGCAGTAAGCGTCCAGCCATCTGGATCGACACGGGCATCCATTCCCGGGA[G>C]TGGGTCACCCAGGCCAGTGGGGTCTGGTTTGCAAAGAAGGTAAGGCCGGGGAGGTGAGGA-3'
Protein context (NP_001859.1, residues 172-192): IWIDTGIHSR[Glu182Asp]WVTQASGVWF